The following is an entry in ClinVar:

ClinVar aggregate classification (germline): Uncertain significance. Review status: criteria provided, multiple submitters, no conflicts (2 of 4 stars). 2 submissions from 2 submitters: Uncertain significance (2). Last evaluated 2022-07-11.

Conditions:
Hypertrophic cardiomyopathy 4. Also called: Familial hypertrophic cardiomyopathy 4. Identifiers: MedGen C1861862, MONDO:0007268, OMIM 115197.
Hypertrophic cardiomyopathy. Also called: HYPERTROPHIC MYOCARDIOPATHY. Identifiers: Orphanet 217569, MedGen C0007194, MeSH D002312, MONDO:0005045, HP:0001639.

Submissions (2):

Labcorp Genetics (formerly Invitae), Labcorp
Classification: Uncertain significance for Hypertrophic cardiomyopathy. Last evaluated: 2022-07-11. Review status: criteria provided, single submitter. Criteria: Invitae Variant Classification Sherloc (09022015). Collection method: clinical testing. Allele origin: germline.
Comment: In summary, the available evidence is currently insufficient to determine the role of this variant in disease. Therefore, it has been classified as a Variant of Uncertain Significance. Algorithms developed to predict the effect of missense changes on protein structure and function (SIFT, PolyPhen-2, Align-GVGD) all suggest that this variant is likely to be disruptive. This missense change has been observed in individual(s) with hypertrophic cardiomyopathy (PMID: 19659763). This variant is not present in population databases (gnomAD no frequency). This sequence change replaces valine, which is neutral and non-polar, with glycine, which is neutral and non-polar, at codon 906 of the MYBPC3 protein (p.Val906Gly).

Victorian Clinical Genetics Services, Murdoch Childrens Research Institute
Classification: Uncertain significance for Hypertrophic cardiomyopathy 4. Last evaluated: 2022-02-02. Review status: criteria provided, single submitter. Criteria: ACMG Guidelines, 2015. Collection method: clinical testing. Allele origin: germline. Inheritance: Autosomal dominant inheritance. Affected: yes.
Comment: Based on the classification scheme VCGS_Germline_v1.3.4, this variant is classified as VUS-3A. Following criteria are met: 0102 - Loss of function is a known mechanism of disease in this gene and is associated with hypertrophic cardiomyopathy 4 (HCM; MIM#115197). (I) 0108 - This gene is associated with both recessive and dominant disease. Dominant inheritance is frequently reported in adult onset conditions, however recessive inheritance results in a more severe early onset phenotype (OMIM). (I) 0115 - Variants in this gene are known to have variable expressivity (PMID: 32841044). (I) 0200 - Variant is predicted to result in a missense amino acid change from valine to glycine. (I) 0251 - This variant is heterozygous. (I) 0301 - Variant is absent from gnomAD (both v2 and v3). (SP) 0309 - An alternative amino acid change at the same position has been observed in gnomAD (v2) (4 heterozygotes, 0 homozygotes). (I) 0502 - Missense variant with conflicting in silico predictions and uninformative conservation. (I) 0600 - Variant is located in the annotated fibronectin type 3 domain (UniProt). (I) 0710 - Other missense variants comparable to the one identified in this case have inconclusive previous evidence for pathogenicity. The p.(Val906Met) and p.(Val906Ala) variants both have VUS entries in ClinVar. (I) 0803 - This variant has limited previous evidence of pathogenicity in an unrelated individual. (SP) 0905 - No published segregation evidence has been identified for this variant. (I) 1007 - No published functional evidence has been identified for this variant. (I) 1208 - Inheritance information for this variant is not currently available in this individual. (I) Legend: (SP) - Supporting pathogenic, (I) - Information, (SB) - Supporting benign

Literature cited by the submitters: PubMed 19659763 (cited by Labcorp Genetics (formerly Invitae), Labcorp and Victorian Clinical Genetics Services, Murdoch Childrens Research Institute); PubMed 32841044 (cited by Victorian Clinical Genetics Services, Murdoch Childrens Research Institute).

NM_000256.3(MYBPC3):c.2717T>G (p.Val906Gly)

Gene: MYBPC3 (myosin binding protein C3; minus strand). Cytogenetic location: 11p11.2.
Variant type: single nucleotide variant.
Coding change: c.2717T>G on transcript NM_000256.3 (MANE Select); coding-DNA position 2717, T replaced by G.
Protein change: p.Val906Gly; replaces valine 906 with glycine.
Molecular consequence: missense variant.
Genome position (GRCh38, 1-based): chr11:47,335,897, A>C on the plus strand (T>G on the coding strand, the complement: MYBPC3 is on the minus strand). VCF-style: chr11-47335897-A-C. GRCh37 (hg19) VCF-style: chr11-47357448-A-C.
Other names: short protein forms V906G.
Identifiers: ClinVar variation 2137071 (VCV002137071.5), dbSNP rs2095881764, ClinGen allele CA380317095.